The following is an entry in ClinVar:

NM_182961.4(SYNE1):c.10259C>T (p.Ala3420Val)

Gene: SYNE1 (spectrin repeat containing nuclear envelope protein 1; minus strand). Cytogenetic location: 6q25.2.
Variant type: single nucleotide variant.
Coding change: c.10259C>T on transcript NM_182961.4 (MANE Select); coding-DNA position 10259, C replaced by T.
Protein change: p.Ala3420Val; replaces alanine 3420 with valine.
Molecular consequence: missense variant.
Genome position (GRCh38, 1-based): chr6:152,362,210, G>A on the plus strand (C>T on the coding strand, the complement: SYNE1 is on the minus strand). VCF-style: chr6-152362210-G-A. GRCh37 (hg19) VCF-style: chr6-152683345-G-A.
Other names: c.10280C>T, p.Ala3427Val (NM_033071.5); short protein forms A3420V, A3427V.
Identifiers: ClinVar variation 1343055 (VCV001343055.3), dbSNP rs748911036, ClinGen allele CA4057019.
Genomic context (GRCh38, chr6:152,362,210, plus strand): 5'-ATCTGAAATCCAGCTCTCACCTTGGCTTTTCCGAGCATCGTTGTTTTATCCCGCAGCTCC[G>A]CATGCTGCCTTTCTGATTCATTCAGGTTGGCTTCCATACTATCCATCCAACCGGAGAACT-3'
Protein context (NP_892006.3, residues 3410-3430): ANLNESERQH[Ala3420Val]ELRDKTTMLG

ClinVar aggregate classification (germline): Uncertain significance. Review status: criteria provided, multiple submitters, no conflicts (2 of 4 stars). 2 submissions from 2 submitters: Uncertain significance (2). Last evaluated 2022-02-17.

gnomAD v4.1: 21 of 1,614,076 alleles (0.0013%); highest among the groups gnomAD compares: South Asian, 0.014%; no homozygotes.

Submissions (2):

GeneDx
Classification: Uncertain significance. Last evaluated: 2022-02-17. Review status: criteria provided, single submitter. Criteria: GeneDx Variant Classification Process June 2021. Collection method: clinical testing. Allele origin: germline. Affected: yes.
Comment: Not observed at significant frequency in large population cohorts (gnomAD); In silico analysis supports that this missense variant does not alter protein structure/function; Has not been previously published as pathogenic or benign to our knowledge

Breakthrough Genomics
Classification: Uncertain significance. Review status: criteria provided, single submitter. Criteria: ACMG Guidelines, 2015. Collection method: not provided. Allele origin: germline. Inheritance: Autosomal recessive inheritance. Affected: yes.